The following is an entry in ClinVar:

ClinVar aggregate classification (germline): Uncertain significance (0 of 4 stars; one submission).

Conditions:
SAMD9L-related disorder. Also called: SAMD9L-related disorders; SAMD9L-related condition.

Allele frequency attached by ClinVar (database versions not stated): TOPMed below 0.00001; gnomAD 0.00001.
gnomAD v4.1: 1 of 1,613,922 alleles (0.000062%); highest among the groups gnomAD compares: Non-Finnish European, 0.000085%; no homozygotes.

Submission:

PreventionGenetics, part of Exact Sciences
Classification: Uncertain significance for SAMD9L-related condition. Last evaluated: 2024-01-15. Review status: no assertion criteria provided. Collection method: clinical testing. Allele origin: germline.
Comment: The SAMD9L c.172A>G variant is predicted to result in the amino acid substitution p.Met58Val. To our knowledge, this variant has not been reported in the literature or in a large population database, indicating this variant is rare. At this time, the clinical significance of this variant is uncertain due to the absence of conclusive functional and genetic evidence.

NM_152703.5(SAMD9L):c.172A>G (p.Met58Val)

Gene: SAMD9L (sterile alpha motif domain containing 9 like; minus strand). Cytogenetic location: 7q21.2.
Variant type: single nucleotide variant.
Coding change: c.172A>G on transcript NM_152703.5 (MANE Select); coding-DNA position 172, A replaced by G.
Protein change: p.Met58Val; replaces methionine 58 with valine.
Molecular consequence: missense variant.
Genome position (GRCh38, 1-based): chr7:93,135,800, T>C on the plus strand (A>G on the coding strand, the complement: SAMD9L is on the minus strand). VCF-style: chr7-93135800-T-C. GRCh37 (hg19) VCF-style: chr7-92765113-T-C.
Other names: c.172A>G, p.Met58Val (NM_001303496.3, NM_001303497.3, NM_001303498.3 and 5 more transcripts); short protein forms M58V.
Identifiers: ClinVar variation 3060491 (VCV003060491.2), dbSNP rs1792423109, ClinGen allele CA368206745.